The following continues an entry in ClinVar:

NM_004004.6(GJB2):c.380G>T (p.Arg127Leu)

Gene: GJB2. ClinVar aggregate classification (germline): Conflicting classifications of pathogenicity. Pathogenic (1); Likely pathogenic (5); Uncertain significance (7).

Submissions 7 to 14 of 14:

ARUP Laboratories, Molecular Genetics and Genomics, ARUP Laboratories
Classification: Uncertain significance. Last evaluated: 2024-12-23. Review status: criteria provided, single submitter. Criteria: ARUP Molecular Germline Variant Investigation Process 2024. Collection method: clinical testing. Allele origin: germline.
Comment: The GJB2 c.380G>T; p.Arg127Leu variant (rs111033196, ClinVar Variation ID: 195204) is reported in the literature in the heterozygous or compound heterozygous state in individuals affected with hearing loss (Batissoco 2022, Carranza 2016, Felix 2019, Gruber 2016), but is also reported in the heterozygous state in unaffected individuals (Tang 2006). This variant is found in the Admixed American population with an allele frequency of 0.19% (64/34578 alleles) in the Genome Aggregation Database (v2.1.1). Computational analyses are uncertain whether this variant is neutral or deleterious (REVEL: 0.550), but in vitro functional analyses demonstrate disrupted channel function (Kim 2016). Additionally, another variant at this codon (c.379C>T; p.Arg127Cys) has been reported in individuals with hearing loss and is considered likely pathogenic (Dahl 2001, Liu 2022, Mikstiene 2016). However, given the limited clinical and functional data, the significance of the p.Arg127Leu variant is uncertain at this time. References: Batissoco AC et al. Molecular and genetic characterization of a large Brazilian cohort presenting hearing loss. Hum Genet. 2022 Apr;141(3-4):519-538. PMID: 34599368. Carranza C et al. A Mayan founder mutation is a common cause of deafness in Guatemala. Clin Genet. 2016 Apr;89(4):461-465. PMID: 26346709. Dahl HH. Prevalence and nature of connexin 26 mutations in children with non-syndromic deafness. Med J Aust. 2001 Aug 20;175(4):191-4. PMID: 11587277. Felix F et al. Frequency of GJB2 mutations in patients with nonsyndromic hearing loss from an ethnically characterized Brazilian population. Braz J Otorhinolaryngol. 2019 Jan-Feb;85(1):92-98. PMID: 29773520. Gruber M et al. The Yield of Multigene Testing in the Management of Pediatric Unilateral Sensorineural Hearing Loss. Otol Neurotol. 2016 Sep;37(8):1066-70. PMID: 27466889. Kim HR et al. The pathological effects of connexin 26 variants related to hearing loss by in silico and in vitro analysis. Hum Genet. 2016 Mar;135(3):287-98. PMID: 26749107. Liu C et al. Next-generation sequencing facilitates genetic diagnosis and improves the management of patients with hearing loss in clinical practice. Int J Pediatr Otorhinolaryngol. 2022 Oct;161:111258. PMID: 35939872. Mikstiene V et al. The high frequency of GJB2 gene mutation c.313_326del14 suggests its possible origin in ancestors of Lithuanian population. BMC Genet. 2016 Feb 19;17:45. PMID: 26896187. Tang HY et al. DNA sequence analysis of GJB2, encoding connexin 26: observations from a population of hearing impaired cases and variable carrier rates, complex genotypes, and ethnic stratification of alleles among controls. Am J Med Genet A. 2006 Nov 15;140(22):2401-15. PMID: 17041943.

Athena Diagnostics
Classification: Likely pathogenic. Last evaluated: 2023-10-10. Review status: criteria provided, single submitter. Criteria: Athena Diagnostics Criteria. Collection method: clinical testing. Allele origin: unknown.
Comment: The frequency of this variant in the general population is consistent with pathogenicity. Assessment of experimental evidence suggests this variant results in abnormal protein function. (PMID: 26749107) In multiple individuals, this variant has been seen with a single recessive pathogenic variant in the same gene, suggesting this variant may also be pathogenic.

Blueprint Genetics
Classification: Uncertain significance. Last evaluated: 2021-08-04. Review status: criteria provided, single submitter. Criteria: ACMG Guidelines, 2015. Collection method: clinical testing. Allele origin: germline.

Revvity Omics, Revvity
Classification: Uncertain significance. Last evaluated: 2020-10-16. Review status: criteria provided, single submitter. Criteria: ACMG Guidelines, 2015. Collection method: clinical testing. Allele origin: germline.

Eurofins Ntd Llc (ga)
Classification: Uncertain significance. Last evaluated: 2016-12-13. Review status: criteria provided, single submitter. Criteria: EGL Classification Definitions 2015. Collection method: clinical testing. Allele origin: germline. Observed: 3 variant alleles, 3 heterozygotes.

Laboratory for Molecular Medicine, Mass General Brigham Personalized Medicine
Classification: Uncertain significance. Last evaluated: 2016-07-02. Review status: criteria provided, single submitter. Criteria: LMM Criteria. Collection method: clinical testing. Allele origin: germline. Observed: 1 variant allele.
Comment: The p.Arg127Leu variant in GJB2 has not been previously reported in individuals with hearing loss, but has been identified in 10/11538 Latino chromosomes by the Exome Aggregation Consortium (ExAC; dbSNP rs111 033196) and 3 control individuals (Tang 2008, Cui 2015). Although this variant h as been seen in the general population, its frequency is not high enough to rule out a pathogenic role. Two other variants have been reported at the same amino acid position: the p.Arg127Cys variant of uncertain clinical significance and th e p.Arg127His which has been classified as benign. Computational prediction tool s and conservation analysis of the p.Arg127Leu variant do not provide strong sup port for or against an impact to the protein. In vitro studies suggest the varia nt may impact the protein (Yilmaz 2014, Kim 2016); however, these studies may no t accurately represent biological effects of the variant. In summary, the clinic al significance of the p.Arg127Leu variant is uncertain

Juno Genomics, Hangzhou Juno Genomics, Inc
Classification: Uncertain significance for Autosomal recessive nonsyndromic hearing loss 1A. Review status: criteria provided, single submitter. Criteria: ACMG Guidelines, 2015. Collection method: clinical testing. Allele origin: germline.
Comment: Absent from controls (or at extremely low frequency if recessive) in Genome Aggregation Database.;Well-established in vitro or in vivo functional studies supportive of a damaging effect on the gene or gene product.;For recessive disorders, detected in trans with a pathogenic variant.

Counsyl
Classification: Uncertain significance for Autosomal recessive nonsyndromic hearing loss 1A. Last evaluated: 2017-03-28. Review status: no assertion criteria provided. Collection method: clinical testing. Allele origin: unknown. Not counted in ClinVar's aggregate classification.

Literature cited by the submitters: PubMed 17041943 (cited by 5 submitters); PubMed 26346709 (cited by 4 submitters); PubMed 26540915 (cited by Women's Health and Genetics/Laboratory Corporation of America, LabCorp and Laboratory for Molecular Medicine, Mass General Brigham Personalized Medicine); PubMed 26749107 (cited by 6 submitters); PubMed 29773520 (cited by 3 submitters); PubMed 30245029 (cited by Women's Health and Genetics/Laboratory Corporation of America, LabCorp); PubMed 34599368 (cited by 3 submitters); PubMed 32596493 (cited by Natera, Inc. and Athena Diagnostics); PubMed 28651654 (cited by Natera, Inc.); PubMed 25388846 (cited by Laboratory for Molecular Medicine, Mass General Brigham Personalized Medicine).